The following is an entry in ClinVar:

NM_024580.6(EFL1):c.3092C>G (p.Ala1031Gly)

Gene: EFL1 (elongation factor like GTPase 1; minus strand). Cytogenetic location: 15q25.2.
Variant type: single nucleotide variant.
Coding change: c.3092C>G on transcript NM_024580.6 (MANE Select); coding-DNA position 3092, C replaced by G.
Protein change: p.Ala1031Gly; replaces alanine 1031 with glycine.
Molecular consequence: missense variant. On other transcripts: non-coding transcript variant (1).
Genome position (GRCh38, 1-based): chr15:82,138,740, G>C on the plus strand (C>G on the coding strand, the complement: EFL1 is on the minus strand). VCF-style: chr15-82138740-G-C. GRCh37 (hg19) VCF-style: chr15-82431081-G-C.
Other names: c.2939C>G, p.Ala980Gly (NM_001040610.3); c.2303C>G, p.Ala768Gly (NM_001322844.2); c.3092C>G, p.Ala1031Gly (NM_001322845.2); short protein forms A980G, A768G, A1031G.
Identifiers: ClinVar variation 4753642 (VCV004753642.1).

ClinVar aggregate classification (germline): Uncertain significance (1 of 4 stars; one submission).

gnomAD v4.1: 4 of 1,613,888 alleles (0.00025%); highest among the groups gnomAD compares: Non-Finnish European, 0.00034%; no homozygotes.

Submission:

Labcorp Genetics (formerly Invitae), Labcorp
Classification: Uncertain significance. Last evaluated: 2025-10-14. Review status: criteria provided, single submitter. Criteria: Invitae Variant Classification Sherloc (09022015). Collection method: clinical testing. Allele origin: germline.
Comment: This sequence change replaces alanine, which is neutral and non-polar, with glycine, which is neutral and non-polar, at codon 1031 of the EFL1 protein (p.Ala1031Gly). This variant is present in population databases (rs763877220, gnomAD 0.002%). This variant has not been reported in the literature in individuals affected with EFL1-related conditions. Invitae Evidence Modeling of protein sequence and biophysical properties (such as structural, functional, and spatial information, amino acid conservation, physicochemical variation, residue mobility, and thermodynamic stability) indicates that this missense variant is expected to disrupt EFL1 protein function with a positive predictive value of 80%. In summary, the available evidence is currently insufficient to determine the role of this variant in disease. Therefore, it has been classified as a Variant of Uncertain Significance.